The following is an entry in ClinVar:

ClinVar aggregate classification (germline): Likely benign. Review status: criteria provided, multiple submitters, no conflicts (2 of 4 stars). 3 submissions from 3 submitters: Likely benign (3). Last evaluated 2025-09-27.

Conditions:
Breast-ovarian cancer, familial, susceptibility to, 2 (BROVCA2). Also called: BRCA2 Hereditary Breast and Ovarian Cancer. Identifiers: Orphanet 145, MedGen C2675520, MONDO:0012933, OMIM 612555. Disease mechanism: loss of function.
Hereditary cancer-predisposing syndrome. Also called: Tumor predisposition; Hereditary Cancer Syndrome; Neoplastic Syndromes, Hereditary; Hereditary neoplastic syndrome. Identifiers: Orphanet 140162, MedGen C0027672, MeSH D009386, MONDO:0015356.
Hereditary breast ovarian cancer syndrome. Also called: BRCA1- and BRCA2-Associated Hereditary Breast and Ovarian Cancer; Hereditary breast and ovarian cancer; Hereditary breast and ovarian cancer syndrome (HBOC); Breast and ovarian cancer; Hereditary breast and/or ovarian cancer syndrome; Hereditary breast and ovarian cancer syndrome. Identifiers: Orphanet 145, MedGen C0677776, MeSH D061325, MONDO:0003582. Disease mechanism: loss of function.

gnomAD v4.1: 1 of 1,614,106 alleles (0.000062%); highest among the groups gnomAD compares: Non-Finnish European, 0.000085%; no homozygotes.

Submissions (3):

Labcorp Genetics (formerly Invitae), Labcorp
Classification: Likely benign for Hereditary breast ovarian cancer syndrome. Last evaluated: 2025-09-27. Review status: criteria provided, single submitter. Criteria: Invitae Variant Classification Sherloc (09022015). Collection method: clinical testing. Allele origin: germline.

All of Us Research Program, National Institutes of Health
Classification: Likely benign for Breast-ovarian cancer, familial, susceptibility to, 2. Last evaluated: 2023-11-20. Review status: criteria provided, single submitter. Criteria: ACMG Guidelines, 2015. Collection method: clinical testing. Allele origin: germline. Inheritance: Autosomal dominant inheritance. Observed: 1 variant allele, 1 heterozygote.
Comment: This study involves interpretation of variants in research participants for the purpose of population health screening. Participant phenotype was not available at the time of variant classification. Additional details can be found in publication PMID: 35346344, PMCID: PMC8962531

Ambry Genetics
Classification: Likely benign for Hereditary cancer-predisposing syndrome. Last evaluated: 2018-06-05. Review status: criteria provided, single submitter. Criteria: Ambry Variant Classification Scheme 2023. Collection method: clinical testing. Allele origin: germline.

NM_000059.4(BRCA2):c.3540G>A (p.Lys1180=)

Gene: BRCA2 (BRCA2 DNA repair associated; plus strand). Cytogenetic location: 13q13.1.
Variant type: single nucleotide variant.
Coding change: c.3540G>A on transcript NM_000059.4 (MANE Select); coding-DNA position 3540, G replaced by A.
Protein change: p.Lys1180=; no amino-acid change (lysine 1180 retained).
Molecular consequence: synonymous variant.
Genome position (GRCh38, 1-based): chr13:32,337,895, G>A. VCF-style: chr13-32337895-G-A. GRCh37 (hg19) VCF-style: chr13-32912032-G-A.
Identifiers: ClinVar variation 754555 (VCV000754555.16), dbSNP rs864622363, ClinGen allele CA483437604.